The following is an entry in ClinVar:

NM_000038.6(APC):c.5870A>C (p.Glu1957Ala)

Gene: APC (APC regulator of Wnt signaling pathway; plus strand). Cytogenetic location: 5q22.2.
Variant type: single nucleotide variant.
Coding change: c.5870A>C on transcript NM_000038.6 (MANE Select); coding-DNA position 5870, A replaced by C.
Protein change: p.Glu1957Ala; replaces glutamic acid 1957 with alanine.
Molecular consequence: missense variant. On other transcripts: non-coding transcript variant (2).
Genome position (GRCh38, 1-based): chr5:112,841,464, A>C. VCF-style: chr5-112841464-A-C. GRCh37 (hg19) VCF-style: chr5-112177161-A-C.
Other names: c.5870A>C, p.Glu1957Ala (NM_001127510.3, NM_001354895.2, NM_001407450.1); c.5816A>C, p.Glu1939Ala (NM_001127511.3); c.5924A>C, p.Glu1975Ala (NM_001354896.2, NM_001407447.1, NM_001407448.1 and 1 more transcripts); c.5900A>C, p.Glu1967Ala (NM_001354897.2); c.5795A>C, p.Glu1932Ala (NM_001354898.2); c.5786A>C, p.Glu1929Ala (NM_001354899.2); c.5747A>C, p.Glu1916Ala (NM_001354900.2); c.5693A>C, p.Glu1898Ala (NM_001354901.2, NM_001407453.1); and 11 more; short protein forms E1674A, E1828A, E1866A, E1874A, E1932A, E1957A, E1985A, E1573A.
Identifiers: ClinVar variation 5025740 (VCV005025740.1).

ClinVar aggregate classification (germline): Uncertain significance (1 of 4 stars; one submission).

Conditions:
Hereditary cancer-predisposing syndrome. Also called: Neoplastic Syndromes, Hereditary; Tumor predisposition; Hereditary neoplastic syndrome; Hereditary Cancer Syndrome. Identifiers: Orphanet 140162, MedGen C0027672, MeSH D009386, MONDO:0015356.

Submission:

Ambry Genetics
Classification: Uncertain significance for Hereditary cancer-predisposing syndrome. Last evaluated: 2026-08-10. Review status: criteria provided, single submitter. Criteria: Ambry Variant Classification Scheme 2023. Collection method: clinical testing. Allele origin: germline.
Comment: The p.E1957A variant (also known as c.5870A>C), located in coding exon 15 of the APC gene, results from an A to C substitution at nucleotide position 5870. The glutamic acid at codon 1957 is replaced by alanine, an amino acid with dissimilar properties. This amino acid position is conserved. In addition, in silico predictors for this gene do not accurately predict pathogenicity. Based on the available evidence, the clinical significance of this variant remains unclear.